The following is an entry in ClinVar:

ClinVar aggregate classification (germline): Likely pathogenic (1 of 4 stars; one submission).

Conditions:
Cornelia de Lange syndrome 1 (CDLS1). Also called: TYPUS DEGENERATIVUS AMSTELODAMENSIS; Brachmann de Lange syndrome; NIPBL-Related Cornelia de Lange Syndrome. Identifiers: Orphanet 199, MedGen C4551851, MONDO:0007387, OMIM 122470.

Submission:

Labcorp Genetics (formerly Invitae), Labcorp
Classification: Likely pathogenic for Cornelia de Lange syndrome 1. Last evaluated: 2024-07-03. Review status: criteria provided, single submitter. Criteria: Invitae Variant Classification Sherloc (09022015). Collection method: clinical testing. Allele origin: germline.
Comment: This sequence change replaces glycine, which is neutral and non-polar, with aspartic acid, which is acidic and polar, at codon 2360 of the NIPBL protein (p.Gly2360Asp). This variant is not present in population databases (gnomAD no frequency). This variant has not been reported in the literature in individuals affected with NIPBL-related conditions. ClinVar contains an entry for this variant (Variation ID: 1519602). Advanced modeling of protein sequence and biophysical properties (such as structural, functional, and spatial information, amino acid conservation, physicochemical variation, residue mobility, and thermodynamic stability) performed at Invitae indicates that this missense variant is expected to disrupt NIPBL protein function with a positive predictive value of 95%. This variant disrupts the p.Gly2360 amino acid residue in NIPBL. Other variant(s) that disrupt this residue have been determined to be pathogenic (PMID: 31337854). This suggests that this residue is clinically significant, and that variants that disrupt this residue are likely to be disease-causing. In summary, the currently available evidence indicates that the variant is pathogenic, but additional data are needed to prove that conclusively. Therefore, this variant has been classified as Likely Pathogenic.

Literature cited by the submitters: PubMed 31337854.

NM_133433.4(NIPBL):c.7079G>A (p.Gly2360Asp)

Gene: NIPBL (NIPBL cohesin loading factor; plus strand). Cytogenetic location: 5p13.2.
Variant type: single nucleotide variant.
Coding change: c.7079G>A on transcript NM_133433.4 (MANE Select); coding-DNA position 7079, G replaced by A.
Protein change: p.Gly2360Asp; replaces glycine 2360 with aspartic acid.
Molecular consequence: missense variant.
Genome position (GRCh38, 1-based): chr5:37,052,382, G>A. VCF-style: chr5-37052382-G-A. GRCh37 (hg19) VCF-style: chr5-37052484-G-A.
Other names: c.7079G>A, p.Gly2360Asp (NM_015384.5); short protein forms G2360D.
Identifiers: ClinVar variation 1519602 (VCV001519602.6), dbSNP rs2149742261, ClinGen allele CA359511090.